The following is an entry in ClinVar:

NM_003068.5(SNAI2):c.-17C>T

Gene: SNAI2 (snail family transcriptional repressor 2; minus strand). Cytogenetic location: 8q11.21.
Variant type: single nucleotide variant.
Coding change: c.-17C>T on transcript NM_003068.5 (MANE Select); 17 bases upstream of the start codon, C replaced by T.
Molecular consequence: 5 prime UTR variant.
Genome position (GRCh38, 1-based): chr8:48,921,282, G>A on the plus strand (C>T on the coding strand, the complement: SNAI2 is on the minus strand). VCF-style: chr8-48921282-G-A. GRCh37 (hg19) VCF-style: chr8-49833841-G-A.
Identifiers: ClinVar variation 514698 (VCV000514698.1), dbSNP rs373989408, ClinGen allele CA4743573.

ClinVar aggregate classification (germline): Likely benign (1 of 4 stars; one submission).

Allele frequency attached by ClinVar (database versions not stated): gnomAD exomes 0.00005 and 0.00012; ExAC 0.00016; 1000 Genomes Project 30x 0.00031; 1000 Genomes Project 0.00040; gnomAD 0.00043 and 0.00048; ESP Exome Variant Server 0.00054; TOPMed 0.00054.
gnomAD v4.1: 138 of 1,608,100 alleles (0.0086%); highest among the groups gnomAD compares: African/African-American, 0.17%; 1 homozygote.

Submission:

GeneDx
Classification: Likely benign. Last evaluated: 2018-01-19. Review status: criteria provided, single submitter. Criteria: GeneDx Variant Classification (06012015). Collection method: clinical testing. Allele origin: germline. Affected: yes.
Comment: This variant is considered likely benign or benign based on one or more of the following criteria: it is a conservative change, it occurs at a poorly conserved position in the protein, it is predicted to be benign by multiple in silico algorithms, and/or has population frequency not consistent with disease.